The following is an entry in ClinVar:

ClinVar aggregate classification (germline): Likely benign (1 of 4 stars; one submission).

Submission:

CeGaT Center for Human Genetics Tuebingen
Classification: Likely benign. Last evaluated: 2023-01-01. Review status: criteria provided, single submitter. Criteria: CeGaT Center For Human Genetics Tuebingen Variant Classification Criteria Version 2. Collection method: clinical testing. Allele origin: germline. Affected: yes. Observed: 1 variant allele.
Comment: IPO5: BS2

NM_002271.6(IPO5):c.1716+39_1716+44dup

Gene: IPO5 (importin 5; plus strand). Cytogenetic location: 13q32.2.
Variant type: Duplication.
Coding change: c.1716+39_1716+44dup on transcript NM_002271.6 (MANE Select); bases 39 to 44 of the intron after coding-DNA position 1716, 6 bases duplicated (TTTTTT; older notation c.1716+39_1716+44dupTTTTTT).
Molecular consequence: intron variant.
Genome position (GRCh38, 1-based): chr13:98,006,387-98,006,392, TTTTTT duplicated; duplicating any 6 consecutive bases within chr13:98,006,357-98,006,392 gives the same sequence; the c. name uses the placement nearest the transcript's 3' end. VCF-style (leftmost placement, unchanged base first): chr13-98006356-A-ATTTTTT. GRCh37 (hg19) VCF-style: chr13-98658610-A-ATTTTTT.
Identifiers: ClinVar variation 2643883 (VCV002643883.24), dbSNP rs568589408, ClinGen allele CA959293220.